The following is an entry in ClinVar:

ClinVar aggregate classification (germline): Uncertain significance (1 of 4 stars; one submission).

Conditions:
Inborn genetic diseases. Identifiers: MedGen C0950123, MeSH D030342.

gnomAD v4.1: 1 of 1,614,120 alleles (0.000062%); no homozygotes.

Submission:

Ambry Genetics
Classification: Uncertain significance for Inborn genetic diseases. Last evaluated: 2023-09-13. Review status: criteria provided, single submitter. Criteria: Ambry Variant Classification Scheme 2023. Collection method: clinical testing. Allele origin: germline.
Comment: The p.H646N variant (also known as c.1936C>A), located in coding exon 12 of the EPAS1 gene, results from a C to A substitution at nucleotide position 1936. The histidine at codon 646 is replaced by asparagine, an amino acid with similar properties. This amino acid position is conserved. In addition, this alteration is predicted to be tolerated by in silico analysis. Since supporting evidence is limited at this time, the clinical significance of this alteration remains unclear.

NM_001430.5(EPAS1):c.1936C>A (p.His646Asn)

Gene: EPAS1 (endothelial PAS domain protein 1; plus strand). Cytogenetic location: 2p21.
Variant type: single nucleotide variant.
Coding change: c.1936C>A on transcript NM_001430.5 (MANE Select); coding-DNA position 1936, C replaced by A.
Protein change: p.His646Asn; replaces histidine 646 with asparagine.
Molecular consequence: missense variant.
Genome position (GRCh38, 1-based): chr2:46,380,608, C>A. VCF-style: chr2-46380608-C-A. GRCh37 (hg19) VCF-style: chr2-46607747-C-A.
Other names: short protein forms H646N.
Identifiers: ClinVar variation 2624642 (VCV002624642.2), dbSNP rs2546477680, ClinGen allele CA346705187.